The following is an entry in ClinVar:

ClinVar aggregate classification (germline): Uncertain significance. Review status: criteria provided, multiple submitters, no conflicts (2 of 4 stars). 2 submissions from 2 submitters: Uncertain significance (2). Last evaluated 2024-08-29.

Conditions:
Cardiovascular phenotype. Identifiers: MedGen CN230736.

Allele frequency attached by ClinVar (database versions not stated): TOPMed 0.00001; gnomAD exomes 0.00007 and 0.00014; ExAC 0.00018.
gnomAD v4.1: 97 of 1,605,654 alleles (0.006%); highest among the groups gnomAD compares: South Asian, 0.053%; no homozygotes.

Submissions (2):

GeneDx
Classification: Uncertain significance. Last evaluated: 2024-08-29. Review status: criteria provided, single submitter. Criteria: GeneDx Variant Classification Process June 2021. Collection method: clinical testing. Allele origin: germline. Affected: yes.
Comment: Has not been previously published as pathogenic or benign to our knowledge; In silico analysis supports that this missense variant has a deleterious effect on protein structure/function

Ambry Genetics
Classification: Uncertain significance for Cardiovascular phenotype. Last evaluated: 2023-10-13. Review status: criteria provided, single submitter. Criteria: Ambry Variant Classification Scheme 2023. Collection method: clinical testing. Allele origin: germline.

NM_001365276.2(TNXB):c.4679C>T (p.Thr1560Met)

Gene: TNXB (tenascin XB; minus strand). Cytogenetic location: 6p21.33.
Variant type: single nucleotide variant.
Coding change: c.4679C>T on transcript NM_001365276.2 (MANE Select); coding-DNA position 4679, C replaced by T.
Protein change: p.Thr1560Met; replaces threonine 1560 with methionine.
Molecular consequence: missense variant.
Genome position (GRCh38, 1-based): chr6:32,073,649, G>A on the plus strand (C>T on the coding strand, the complement: TNXB is on the minus strand). VCF-style: chr6-32073649-G-A. GRCh37 (hg19) VCF-style: chr6-32041426-G-A.
Other names: c.4679C>T, p.Thr1560Met (NM_019105.8); short protein forms T1560M.
Identifiers: ClinVar variation 1306582 (VCV001306582.5), dbSNP rs535714494, ClinGen allele CA3734909.